The following is an entry in ClinVar:

ClinVar aggregate classification (germline): Benign. Review status: criteria provided, multiple submitters, no conflicts (2 of 4 stars). 4 submissions from 4 submitters: Benign (3). 1 of the submissions does not count toward it. Last evaluated 2026-01-27.

Allele frequency attached by ClinVar (database versions not stated): gnomAD exomes 0.00152 and 0.00371; ExAC 0.00449; gnomAD 0.01397 and 0.01493; ESP Exome Variant Server 0.01422; TOPMed 0.01567; 1000 Genomes Project 0.01717; 1000 Genomes Project 30x 0.01796.

Submissions (4):

Labcorp Genetics (formerly Invitae), Labcorp
Classification: Benign. Last evaluated: 2026-01-27. Review status: criteria provided, single submitter. Criteria: Invitae Variant Classification Sherloc (09022015). Collection method: clinical testing. Allele origin: germline.

GeneDx
Classification: Benign. Last evaluated: 2017-05-30. Review status: criteria provided, single submitter. Criteria: GeneDx Variant Classification (06012015). Collection method: clinical testing. Allele origin: germline. Affected: yes.
Comment: This variant is considered likely benign or benign based on one or more of the following criteria: it is a conservative change, it occurs at a poorly conserved position in the protein, it is predicted to be benign by multiple in silico algorithms, and/or has population frequency not consistent with disease.

Breakthrough Genomics
Classification: Benign. Review status: criteria provided, single submitter. Criteria: ACMG Guidelines, 2015. Collection method: not provided. Allele origin: germline. Inheritance: Autosomal recessive inheritance. Affected: yes.

Genetic Services Laboratory, University of Chicago
Classification: Likely benign for AllHighlyPenetrant. Review status: no assertion criteria provided. Collection method: clinical testing. Allele origin: germline. Inheritance: Autosomal recessive inheritance. Not counted in ClinVar's aggregate classification.
Comment: Likely benign based on allele frequency in 1000 Genomes Project or ESP global frequency and its presence in a patient with a rare or unrelated disease phenotype. NOT Sanger confirmed.

NM_173630.4(RTTN):c.4850T>C (p.Met1617Thr)

Gene: RTTN (rotatin; minus strand). Cytogenetic location: 18q22.2.
Variant type: single nucleotide variant.
Coding change: c.4850T>C on transcript NM_173630.4 (MANE Select); coding-DNA position 4850, T replaced by C.
Protein change: p.Met1617Thr; replaces methionine 1617 with threonine.
Molecular consequence: missense variant.
Genome position (GRCh38, 1-based): chr18:70,059,940, A>G on the plus strand (T>C on the coding strand, the complement: RTTN is on the minus strand). VCF-style: chr18-70059940-A-G. GRCh37 (hg19) VCF-style: chr18-67727176-A-G.
Other names: c.2114T>C, p.Met705Thr (NM_001318520.2); short protein forms M1617T, M705T.
Identifiers: ClinVar variation 130182 (VCV000130182.16), dbSNP rs35409908, ClinGen allele CA155008.